The following is an entry in ClinVar:

ClinVar aggregate classification (germline): Benign. Review status: criteria provided, single submitter (1 of 4 stars). 2 submissions from 2 submitters: Benign (1). 1 of the submissions does not count toward it. Last evaluated 2025-08-16.

Conditions:
KNG1-related disorder. Also called: KNG1-related condition.

Allele frequency attached by ClinVar (database versions not stated): gnomAD exomes 0.11571; ESP Exome Variant Server 0.08957; ExAC 0.12058; 1000 Genomes Project 0.12300; TOPMed 0.08607; gnomAD 0.09500; 1000 Genomes Project 30x 0.11758.
gnomAD v4.1: 183,253 of 1,610,870 alleles (11%); highest among the groups gnomAD compares: South Asian, 22%; 11,734 homozygotes.

Submissions (2):

Mayo Clinic Laboratories, Mayo Clinic
Classification: Benign. Last evaluated: 2025-08-16. Review status: criteria provided, single submitter. Criteria: ACMG Guidelines, 2015. Collection method: clinical testing. Allele origin: germline. Observed: 92 variant alleles.

PreventionGenetics, part of Exact Sciences
Classification: Benign for KNG1-related condition. Last evaluated: 2019-11-04. Review status: no assertion criteria provided. Collection method: clinical testing. Allele origin: germline. Not counted in ClinVar's aggregate classification.
Comment: This variant is classified as benign based on ACMG/AMP sequence variant interpretation guidelines (Richards et al. 2015 PMID: 25741868, with internal and published modifications).

NM_001102416.3(KNG1):c.591T>G (p.Ile197Met)

Gene: KNG1 (kininogen 1; plus strand). Cytogenetic location: 3q27.3.
Variant type: single nucleotide variant.
Coding change: c.591T>G on transcript NM_001102416.3 (MANE Select); coding-DNA position 591, T replaced by G.
Protein change: p.Ile197Met; replaces isoleucine 197 with methionine.
Molecular consequence: missense variant. On other transcripts: intron variant (1).
Genome position (GRCh38, 1-based): chr3:186,727,263, T>G. VCF-style: chr3-186727263-T-G. GRCh37 (hg19) VCF-style: chr3-186445052-T-G.
Other names: p.Ile197Met; c.591T>G, p.Ile197Met (NM_000893.4); c.564+2003T>G (NM_001166451.2); short protein forms I197M.
Identifiers: ClinVar variation 3038288 (VCV003038288.3), dbSNP rs2304456, ClinGen allele CA2746202.
Genomic context (GRCh38, chr3:186,727,263, plus strand): 5'-TGCCCTTTAAATATTCAATCTGAAATTGTTTCAGGTGGTGGCTGGATTGAACTTTCGAAT[T>G]ACCTACTCAATTGTGCAAACGAATTGTTCCAAAGAGAATTTTCTGTTCTTAACTCCAGAC-3'
Protein context (NP_001095886.1, residues 187-207): RQVVAGLNFR[Ile197Met]TYSIVQTNCS